The following is an entry in ClinVar:

NM_000038.6(APC):c.3468A>G (p.Glu1156=)

Gene: APC (APC regulator of Wnt signaling pathway; plus strand). Cytogenetic location: 5q22.2.
Variant type: single nucleotide variant.
Coding change: c.3468A>G on transcript NM_000038.6 (MANE Select); coding-DNA position 3468, A replaced by G.
Protein change: p.Glu1156=; no amino-acid change (glutamic acid 1156 retained).
Molecular consequence: synonymous variant.
Genome position (GRCh38, 1-based): chr5:112,839,062, A>G. VCF-style: chr5-112839062-A-G. GRCh37 (hg19) VCF-style: chr5-112174759-A-G.
Other names: c.3468A>G, p.Glu1156= (NM_001127510.3, NM_001354895.2); c.3414A>G, p.Glu1138= (NM_001127511.3); c.3522A>G, p.Glu1174= (NM_001354896.2); c.3498A>G, p.Glu1166= (NM_001354897.2); c.3393A>G, p.Glu1131= (NM_001354898.2); c.3384A>G, p.Glu1128= (NM_001354899.2); c.3345A>G, p.Glu1115= (NM_001354900.2); c.3291A>G, p.Glu1097= (NM_001354901.2); and 5 more.
Identifiers: ClinVar variation 236592 (VCV000236592.35), dbSNP rs878853440, ClinGen allele CA10582309.

ClinVar aggregate classification (germline): Benign/Likely benign. Review status: criteria provided, multiple submitters, no conflicts (2 of 4 stars). 7 submissions from 7 submitters: Benign (1); Likely benign (6). Last evaluated 2026-01-26.

Conditions:
Classic or attenuated familial adenomatous polyposis. Identifiers: MedGen CN372698, MONDO:0021057.
Hereditary cancer-predisposing syndrome. Also called: Tumor predisposition; Hereditary Cancer Syndrome; Neoplastic Syndromes, Hereditary; Hereditary neoplastic syndrome. Identifiers: Orphanet 140162, MedGen C0027672, MeSH D009386, MONDO:0015356.
Familial adenomatous polyposis 1 (FAP1). Also called: FAMILIAL ADENOMATOUS POLYPOSIS 1, ATTENUATED; POLYPOSIS, ADENOMATOUS INTESTINAL. Identifiers: MedGen C2713442, MONDO:0021056, OMIM 175100. Disease mechanism: loss of function.

gnomAD v4.1: 4 of 1,614,032 alleles (0.00025%); highest among the groups gnomAD compares: Non-Finnish European, 0.00034%; no homozygotes.

Submissions (7):

Labcorp Genetics (formerly Invitae), Labcorp
Classification: Likely benign for Familial adenomatous polyposis 1. Last evaluated: 2026-01-26. Review status: criteria provided, single submitter. Criteria: Invitae Variant Classification Sherloc (09022015). Collection method: clinical testing. Allele origin: germline.

CeGaT Center for Human Genetics Tuebingen
Classification: Likely benign. Last evaluated: 2024-11-01. Review status: criteria provided, single submitter. Criteria: CeGaT Center For Human Genetics Tuebingen Variant Classification Criteria Version 2. Collection method: clinical testing. Allele origin: germline. Affected: yes. Observed: 1 variant allele.
Comment: APC: BP4, BP7

Myriad Genetics, Inc.
Classification: Benign for Familial adenomatous polyposis 1. Last evaluated: 2024-03-18. Review status: criteria provided, single submitter. Criteria: Myriad Autosomal Dominant, Autosomal Recessive and X-Linked Classification Criteria (2023). Collection method: clinical testing. Allele origin: unknown.
Comment: This variant is considered benign. This variant is a silent/synonymous amino acid change and it is not expected to impact splicing.

All of Us Research Program, National Institutes of Health
Classification: Likely benign for Classic or attenuated familial adenomatous polyposis. Last evaluated: 2023-05-04. Review status: criteria provided, single submitter. Criteria: ACMG Guidelines, 2015. Collection method: clinical testing. Allele origin: germline. Inheritance: Autosomal dominant inheritance. Observed: 2 variant alleles, 2 heterozygotes.
Comment: This study involves interpretation of variants in research participants for the purpose of population health screening. Participant phenotype was not available at the time of variant classification. Additional details can be found in publication PMID: 35346344, PMCID: PMC8962531

GeneDx
Classification: Likely benign. Last evaluated: 2019-07-31. Review status: criteria provided, single submitter. Criteria: GeneDx Variant Classification Process June 2021. Collection method: clinical testing. Allele origin: germline. Affected: yes.

Color Diagnostics, LLC DBA Color Health
Classification: Likely benign for Hereditary cancer-predisposing syndrome. Last evaluated: 2017-10-06. Review status: criteria provided, single submitter. Criteria: ACMG Guidelines, 2015. Collection method: clinical testing. Allele origin: germline.

Ambry Genetics
Classification: Likely benign for Hereditary cancer-predisposing syndrome. Last evaluated: 2015-08-10. Review status: criteria provided, single submitter. Criteria: Ambry Variant Classification Scheme 2023. Collection method: clinical testing. Allele origin: germline.